The following is an entry in ClinVar:

ClinVar aggregate classification (germline): Uncertain significance. Review status: criteria provided, multiple submitters, no conflicts (2 of 4 stars). 2 submissions from 2 submitters: Uncertain significance (2). Last evaluated 2024-09-19.

gnomAD v4.1: 49 of 1,596,110 alleles (0.0031%); highest among the groups gnomAD compares: African/African-American, 0.027%; no homozygotes.

Submissions (2):

Blueprint Genetics
Classification: Uncertain significance. Last evaluated: 2024-09-19. Review status: criteria provided, single submitter. Criteria: ACMG Guidelines, 2015. Collection method: clinical testing. Allele origin: germline.

GeneDx
Classification: Uncertain significance. Last evaluated: 2024-09-10. Review status: criteria provided, single submitter. Criteria: GeneDx Variant Classification Process June 2021. Collection method: clinical testing. Allele origin: germline. Affected: yes.
Comment: In silico analysis supports that this missense variant has a deleterious effect on protein structure/function; Has not been previously published as pathogenic or benign to our knowledge

NM_001606.5(ABCA2):c.6494G>T (p.Arg2165Leu)

Gene: ABCA2 (ATP binding cassette subfamily A member 2; minus strand). Cytogenetic location: 9q34.3.
Variant type: single nucleotide variant.
Coding change: c.6494G>T on transcript NM_001606.5 (MANE Select); coding-DNA position 6494, G replaced by T.
Protein change: p.Arg2165Leu; replaces arginine 2165 with leucine.
Molecular consequence: missense variant.
Genome position (GRCh38, 1-based): chr9:137,009,984, C>A on the plus strand (G>T on the coding strand, the complement: ABCA2 is on the minus strand). VCF-style: chr9-137009984-C-A. GRCh37 (hg19) VCF-style: chr9-139904436-C-A.
Other names: c.6491G>T, p.Arg2164Leu (NM_001411042.1); c.6584G>T, p.Arg2195Leu (NM_212533.3); short protein forms R2164L, R2165L, R2195L.
Identifiers: ClinVar variation 3767549 (VCV003767549.2).